The following is an entry in ClinVar:

ClinVar aggregate classification (germline): Uncertain significance (1 of 4 stars; one submission).

Conditions:
Hereditary cancer-predisposing syndrome. Also called: Neoplastic Syndromes, Hereditary; Tumor predisposition; Hereditary Cancer Syndrome; Hereditary neoplastic syndrome. Identifiers: Orphanet 140162, MedGen C0027672, MeSH D009386, MONDO:0015356.

Submission:

Ambry Genetics
Classification: Uncertain significance for Hereditary cancer-predisposing syndrome. Last evaluated: 2025-02-06. Review status: criteria provided, single submitter. Criteria: Ambry Variant Classification Scheme 2023. Collection method: clinical testing. Allele origin: germline.
Comment: The c.7263_7265delAGAinsCTT variant (also known as p.K2421_E2422delinsNL), located in coding exon 48 of the ATM gene, results from an in-frame deletion of AGA and insertion of CTT at nucleotide positions 7263 to 7265. This results in the substitution of lysine and glutamate residues for asparagine and leucine residues at codon 2421 and 2422. This amino acid region is well conserved in available vertebrate species. In addition, this alteration is predicted to be deleterious by in silico analysis (Choi Y et al. PLoS ONE. 2012; 7(10):e46688). Since supporting evidence is limited at this time, the clinical significance of this alteration remains unclear.

NM_000051.4(ATM):c.7263_7265delinsCTT (p.Lys2421_Glu2422delinsAsnLeu)

Genes: ATM (ATM serine/threonine kinase; plus strand), C11orf65 (chromosome 11 open reading frame 65; minus strand). Cytogenetic location: 11q22.3.
Variant type: Indel.
Coding change: c.7263_7265delinsCTT on transcript NM_000051.4 (MANE Select); coding-DNA positions 7263 to 7265, AGA replaced by CTT.
Protein change: p.Lys2421_Glu2422delinsAsnLeu.
Molecular consequence: missense variant. On other transcripts: intron variant (2).
Genome position (GRCh38, 1-based): chr11:108,329,194-108,329,196, AGA replaced by CTT. VCF-style: chr11-108329194-AGA-CTT. GRCh37 (hg19) VCF-style: chr11-108199921-AGA-CTT.
Other names: c.7263_7265delinsCTT, p.Lys2421_Glu2422delinsAsnLeu (NM_001351834.2); c.641-20125_641-20123delinsAAG (NM_001330368.2); c.*38+6024_*38+6026delinsAAG (NM_001351110.2).
Identifiers: ClinVar variation 3802153 (VCV003802153.1).